The following is an entry in ClinVar:

ClinVar aggregate classification (germline): Uncertain significance. Review status: criteria provided, multiple submitters, no conflicts (2 of 4 stars). 3 submissions from 3 submitters: Uncertain significance (3). Last evaluated 2026-06-30.

Conditions:
Donnai-Barrow syndrome. Also called: DBS/FOAR SYNDROME; FACIOOCULOACOUSTICORENAL SYNDROME. Identifiers: Orphanet 2143, MedGen C1857277, MONDO:0009104, OMIM 222448.

Allele frequency attached by ClinVar (database versions not stated): gnomAD 0.00003 and 0.00004; ESP Exome Variant Server 0.00008; gnomAD exomes 0.00002; ExAC 0.00003; TOPMed 0.00007.
gnomAD v4.1: 41 of 1,613,674 alleles (0.0025%); highest among the groups gnomAD compares: Admixed American, 0.0083%; no homozygotes.

Submissions (3):

Women's Health and Genetics/Laboratory Corporation of America, LabCorp
Classification: Uncertain significance. Last evaluated: 2026-06-30. Review status: criteria provided, single submitter. Criteria: LabCorp Variant Classification Summary - May 2015. Collection method: clinical testing. Allele origin: germline.

Labcorp Genetics (formerly Invitae), Labcorp
Classification: Uncertain significance. Last evaluated: 2022-03-15. Review status: criteria provided, single submitter. Criteria: Invitae Variant Classification Sherloc (09022015). Collection method: clinical testing. Allele origin: germline.
Comment: This sequence change falls in intron 48 of the LRP2 gene. It does not directly change the encoded amino acid sequence of the LRP2 protein. It affects a nucleotide within the consensus splice site. This variant is present in population databases (rs371476119, gnomAD 0.009%). This variant has not been reported in the literature in individuals affected with LRP2-related conditions. Variants that disrupt the consensus splice site are a relatively common cause of aberrant splicing (PMID: 17576681, 9536098). Algorithms developed to predict the effect of sequence changes on RNA splicing suggest that this variant is not likely to affect RNA splicing. In summary, the available evidence is currently insufficient to determine the role of this variant in disease. Therefore, it has been classified as a Variant of Uncertain Significance.

Fulgent Genetics
Classification: Uncertain significance for Donnai-Barrow syndrome. Last evaluated: 2021-12-02. Review status: criteria provided, single submitter. Criteria: ACMG Guidelines, 2015. Collection method: clinical testing. Allele origin: unknown.

Literature cited by the submitters: PubMed 17576681 (cited by Labcorp Genetics (formerly Invitae), Labcorp); PubMed 9536098 (cited by Labcorp Genetics (formerly Invitae), Labcorp).

NM_004525.3(LRP2):c.9032+5A>G

Gene: LRP2 (LDL receptor related protein 2; minus strand). Cytogenetic location: 2q31.1.
Variant type: single nucleotide variant.
Coding change: c.9032+5A>G on transcript NM_004525.3 (MANE Select); 5 bases into the intron after coding-DNA position 9032, A replaced by G.
Molecular consequence: intron variant.
Genome position (GRCh38, 1-based): chr2:169,191,827, T>C on the plus strand (A>G on the coding strand, the complement: LRP2 is on the minus strand). VCF-style: chr2-169191827-T-C. GRCh37 (hg19) VCF-style: chr2-170048337-T-C.
Identifiers: ClinVar variation 1448367 (VCV001448367.5), dbSNP rs371476119, ClinGen allele CA1953701.